The following is an entry in ClinVar:

ClinVar aggregate classification (germline): Pathogenic. Review status: reviewed by expert panel (3 of 4 stars). 9 submissions from 9 submitters: Pathogenic (1). 8 of the submissions do not count toward it. Last evaluated 2016-09-08.

Conditions:
Hereditary breast ovarian cancer syndrome. Also called: Hereditary breast and ovarian cancer; Hereditary breast and ovarian cancer syndrome; Breast and ovarian cancer; Hereditary breast and ovarian cancer syndrome (HBOC); Hereditary breast and/or ovarian cancer syndrome; BRCA1- and BRCA2-Associated Hereditary Breast and Ovarian Cancer. Identifiers: Orphanet 145, MedGen C0677776, MeSH D061325, MONDO:0003582. Disease mechanism: loss of function.
Hereditary cancer-predisposing syndrome. Also called: Hereditary Cancer Syndrome; Neoplastic Syndromes, Hereditary; Tumor predisposition; Hereditary neoplastic syndrome. Identifiers: Orphanet 140162, MedGen C0027672, MeSH D009386, MONDO:0015356.
Breast-ovarian cancer, familial, susceptibility to, 2 (BROVCA2). Also called: BRCA2 Hereditary Breast and Ovarian Cancer. Identifiers: Orphanet 145, MedGen C2675520, MONDO:0012933, OMIM 612555. Disease mechanism: loss of function.
Familial cancer of breast. Also called: BREAST CANCER, FAMILIAL; Hereditary breast cancer; hereditary breast carcinoma. Identifiers: Orphanet 227535, MedGen C0346153, MONDO:0016419, OMIM 114480. Disease mechanism: loss of function.

Submissions (9):

Evidence-based Network for the Interpretation of Germline Mutant Alleles (ENIGMA)
Classification: Pathogenic for Breast-ovarian cancer, familial, susceptibility to, 2. Last evaluated: 2016-09-08. Review status: reviewed by expert panel. Criteria: ENIGMA BRCA1/2 Classification Criteria (2015). Collection method: curation. Allele origin: germline.
Comment: Variant allele predicted to encode a truncated non-functional protein.

Labcorp Genetics (formerly Invitae), Labcorp
Classification: Pathogenic for Hereditary breast ovarian cancer syndrome. Last evaluated: 2025-12-20. Review status: criteria provided, single submitter. Criteria: Invitae Variant Classification Sherloc (09022015). Collection method: clinical testing. Allele origin: germline. Not counted in ClinVar's aggregate classification.
Comment: This sequence change creates a premature translational stop signal (p.Glu260Serfs*15) in the BRCA2 gene. It is expected to result in an absent or disrupted protein product. Loss-of-function variants in BRCA2 are known to be pathogenic (PMID: 20104584). This variant is not present in population databases (gnomAD no frequency). This premature translational stop signal has been observed in individual(s) with breast cancer (PMID: 25452441). This variant is also known as 1002delAA. ClinVar contains an entry for this variant (Variation ID: 188425). For these reasons, this variant has been classified as Pathogenic.

Ambry Genetics
Classification: Pathogenic for Hereditary cancer-predisposing syndrome. Last evaluated: 2023-10-21. Review status: criteria provided, single submitter. Criteria: Ambry Variant Classification Scheme 2023. Collection method: clinical testing. Allele origin: germline. Not counted in ClinVar's aggregate classification.
Comment: The c.774_775delAA pathogenic mutation, located in coding exon 8 of the BRCA2 gene, results from a deletion of two nucleotides at nucleotide positions 774 to 775, causing a translational frameshift with a predicted alternate stop codon (p.E260Sfs*15). This alteration is expected to result in loss of function by premature protein truncation or nonsense-mediated mRNA decay. As such, this alteration is interpreted as a disease-causing mutation.

Baylor Genetics
Classification: Pathogenic for Familial cancer of breast. Last evaluated: 2023-10-12. Review status: criteria provided, single submitter. Criteria: ACMG Guidelines, 2015. Collection method: clinical testing. Allele origin: unknown. Not counted in ClinVar's aggregate classification.

GeneDx
Classification: Pathogenic. Last evaluated: 2023-02-27. Review status: criteria provided, single submitter. Criteria: GeneDx Variant Classification Process June 2021. Collection method: clinical testing. Allele origin: germline. Affected: yes. Not counted in ClinVar's aggregate classification.
Comment: Frameshift variant predicted to result in protein truncation or nonsense mediated decay in a gene for which loss of function is a known mechanism of disease; Truncating variants in this gene are considered pathogenic by a well-established clinical consortium and/or database; Not observed at significant frequency in large population cohorts (gnomAD); Observed in individuals with personal and/or family history of breast cancer (Couch et al., 2015; Kwong et al., 2016; Wen et al., 2018); Also known as 1002_1003del; This variant is associated with the following publications: (PMID: 26187060, 27907908, 28993434, 30093976, 33087929, 20104584, 25452441)

Quest Diagnostics Nichols Institute San Juan Capistrano
Classification: Pathogenic. Last evaluated: 2021-08-05. Review status: criteria provided, single submitter. Criteria: Quest Diagnostics criteria. Collection method: clinical testing. Allele origin: unknown. Not counted in ClinVar's aggregate classification.
Comment: This frameshift variant causes the premature termination of BRCA2 protein synthesis. In addition, it has been reported in individuals with breast and/or ovarian cancer in the published literature (PMIDs: 25452441 (2015), 26187060 (2015), 27907908 (2016), and 28993434 (2018)). Based on the available information, this variant is classified as pathogenic.

Laboratory for Molecular Medicine, Mass General Brigham Personalized Medicine
Classification: Pathogenic for Hereditary breast ovarian cancer syndrome. Last evaluated: 2019-05-28. Review status: criteria provided, single submitter. Criteria: ACMG Guidelines, 2015. Collection method: clinical testing. Allele origin: germline. Inheritance: Autosomal dominant inheritance. Not counted in ClinVar's aggregate classification.
Comment: The p.Glu260SerfsX15 variant in BRCA2 has been reported in at least 3 individuals with breast or ovarian cancer (Chao 2016, Wen 2018, Couch 2015). Additionally, it was classified as Pathogenic on Sep. 8, 2016 by the ClinGen-approved ENIGMA expert panel (Variation ID: 188425). It was absent from large population studies. This variant is predicted to cause a frameshift, which alters the protein’s amino acid sequence beginning at position 260 and leads to a premature termination codon 15 amino acids downstream. This alteration is then predicted to lead to a truncated or absent protein. Loss of function of the BRCA2 gene is an established disease mechanism in autosomal dominant hereditary breast and ovarian cancer syndrome (HBOC). In summary, this variant meets criteria to be classified as pathogenic for autosomal dominant HBOC. ACMG/AMP Criteria applied: PVS1, PM2, PS4_Supporting.

Consortium of Investigators of Modifiers of BRCA1/2 (CIMBA), c/o University of Cambridge
Classification: Pathogenic for Breast-ovarian cancer, familial, susceptibility to, 2. Last evaluated: 2015-10-02. Review status: criteria provided, single submitter. Criteria: CIMBA Mutation Classification guidelines May 2016. Collection method: clinical testing. Allele origin: germline. Not counted in ClinVar's aggregate classification.

Department of Pathology and Laboratory Medicine, Sinai Health System
Classification: Uncertain significance. Review status: no assertion criteria provided. Collection method: clinical testing. Allele origin: unknown. Affected: yes. Observed: 1 variant allele. Study: The Canadian Open Genetics Repository (COGR). Not counted in ClinVar's aggregate classification.

Literature cited by the submitters: PubMed 20104584 (cited by Labcorp Genetics (formerly Invitae), Labcorp); PubMed 25452441 (cited by 3 submitters); PubMed 26187060 (cited by Quest Diagnostics Nichols Institute San Juan Capistrano); PubMed 27907908 (cited by Quest Diagnostics Nichols Institute San Juan Capistrano and Laboratory for Molecular Medicine, Mass General Brigham Personalized Medicine); PubMed 28993434 (cited by Quest Diagnostics Nichols Institute San Juan Capistrano and Laboratory for Molecular Medicine, Mass General Brigham Personalized Medicine).

NM_000059.4(BRCA2):c.774_775del (p.Glu260fs)

Gene: BRCA2 (BRCA2 DNA repair associated; plus strand). Cytogenetic location: 13q13.1.
Variant type: Deletion.
Coding change: c.774_775del on transcript NM_000059.4 (MANE Select); coding-DNA positions 774 to 775, 2 bases deleted (AA; older notation c.774_775delAA).
Protein change: p.Glu260fs; shifts the reading frame from glutamic acid 260.
Molecular consequence: frameshift variant.
Genome position (GRCh38, 1-based): chr13:32,331,011-32,331,012, AA deleted; deleting any 2 consecutive bases within chr13:32,331,010-32,331,012 gives the same sequence; the c. name uses the placement nearest the transcript's 3' end. VCF-style (leftmost placement, unchanged base first): chr13-32331009-CAA-C. GRCh37 (hg19) VCF-style: chr13-32905146-CAA-C.
Other names: c.774_775delAA (NM_000059.3).
Identifiers: ClinVar variation 188425 (VCV000188425.18), dbSNP rs75096777, ClinGen allele CA025252.